The following is an entry in ClinVar:

NM_198282.4(STING1):c.397C>T (p.Leu133Phe)

Genes: STING1 (stimulator of interferon response cGAMP interactor 1; minus strand), LOC123522803 (Sharpr-MPRA regulatory region 11914; plus strand). Cytogenetic location: 5q31.2.
Variant type: single nucleotide variant.
Coding change: c.397C>T on transcript NM_198282.4 (MANE Select); coding-DNA position 397, C replaced by T.
Protein change: p.Leu133Phe; replaces leucine 133 with phenylalanine.
Molecular consequence: missense variant.
Genome position (GRCh38, 1-based): chr5:139,481,173, G>A on the plus strand (C>T on the coding strand, the complement: STING1 is on the minus strand). VCF-style: chr5-139481173-G-A. GRCh37 (hg19) VCF-style: chr5-138860758-G-A.
Other names: c.397C>T, p.Leu133Phe (NM_001301738.2); c.40C>T, p.Leu14Phe (NM_001367258.1); short protein forms L133F, L14F.
Identifiers: ClinVar variation 1680261 (VCV001680261.6), dbSNP rs2152094323, ClinGen allele CA361481182.

ClinVar aggregate classification (germline): Uncertain significance (1 of 4 stars; one submission).

Conditions:
STING-associated vasculopathy with onset in infancy. Also called: Sting-associated vasculopathy, infantile-onset. Identifiers: Orphanet 425120, MedGen C4014722, MONDO:0014405, OMIM 615934.

Submission:

Labcorp Genetics (formerly Invitae), Labcorp
Classification: Uncertain significance for STING-associated vasculopathy with onset in infancy. Last evaluated: 2025-09-07. Review status: criteria provided, single submitter. Criteria: Invitae Variant Classification Sherloc (09022015). Collection method: clinical testing. Allele origin: germline.
Comment: This sequence change replaces leucine, which is neutral and non-polar, with phenylalanine, which is neutral and non-polar, at codon 133 of the TMEM173 protein (p.Leu133Phe). This variant is not present in population databases (gnomAD no frequency). This variant has not been reported in the literature in individuals affected with TMEM173-related conditions. ClinVar contains an entry for this variant (Variation ID: 1680261). Invitae Evidence Modeling of protein sequence and biophysical properties (such as structural, functional, and spatial information, amino acid conservation, physicochemical variation, residue mobility, and thermodynamic stability) indicates that this missense variant is expected to disrupt TMEM173 protein function with a positive predictive value of 80%. In summary, the available evidence is currently insufficient to determine the role of this variant in disease. Therefore, it has been classified as a Variant of Uncertain Significance.